The following is an entry in ClinVar:

NM_004563.4(PCK2):c.1623G>A (p.Gly541=)

Genes: NRL (neural retina leucine zipper; minus strand), PCK2 (phosphoenolpyruvate carboxykinase 2, mitochondrial; plus strand). Cytogenetic location: 14q12.
Variant type: single nucleotide variant.
Coding change: c.1623G>A on transcript NM_004563.4 (MANE Select); coding-DNA position 1623, G replaced by A.
Protein change: p.Gly541=; no amino-acid change (glycine 541 retained).
Molecular consequence: synonymous variant. On other transcripts: intron variant (3).
Genome position (GRCh38, 1-based): chr14:24,103,664, G>A. VCF-style: chr14-24103664-G-A. GRCh37 (hg19) VCF-style: chr14-24572873-G-A.
Other names: c.1221G>A, p.Gly407= (NM_001291556.2, NM_001308054.2); c.-28+11058C>T (NM_001354768.3, NM_001354770.2); c.-254+11058C>T (NM_006177.5).
Identifiers: ClinVar variation 3053377 (VCV003053377.2), dbSNP rs533781164, ClinGen allele CA7123583.

ClinVar aggregate classification (germline): Likely benign (0 of 4 stars; one submission).

Conditions:
PCK2-related disorder. Also called: PCK2-related condition.

Allele frequency attached by ClinVar (database versions not stated): gnomAD 0.00001; gnomAD exomes 0.00001; ExAC 0.00002; 1000 Genomes Project 30x 0.00016; 1000 Genomes Project 0.00020.
gnomAD v4.1: 10 of 1,614,206 alleles (0.00062%); highest among the groups gnomAD compares: South Asian, 0.011%; no homozygotes.

Submission:

PreventionGenetics, part of Exact Sciences
Classification: Likely benign for PCK2-related condition. Last evaluated: 2019-08-30. Review status: no assertion criteria provided. Collection method: clinical testing. Allele origin: germline.
Comment: This variant is classified as likely benign based on ACMG/AMP sequence variant interpretation guidelines (Richards et al. 2015 PMID: 25741868, with internal and published modifications).